The following is an entry in ClinVar:

NM_001060.6(TBXA2R):c.492C>T (p.Gly164=)

Gene: TBXA2R (thromboxane A2 receptor; minus strand). Cytogenetic location: 19p13.3.
Variant type: single nucleotide variant.
Coding change: c.492C>T on transcript NM_001060.6 (MANE Select); coding-DNA position 492, C replaced by T.
Protein change: p.Gly164=; no amino-acid change (glycine 164 retained).
Molecular consequence: synonymous variant.
Genome position (GRCh38, 1-based): chr19:3,600,143, G>A on the plus strand (C>T on the coding strand, the complement: TBXA2R is on the minus strand). VCF-style: chr19-3600143-G-A. GRCh37 (hg19) VCF-style: chr19-3600141-G-A.
Other names: c.492C>T, p.Gly164= (NM_201636.3); c.492C>T (NM_201636.2).
Identifiers: ClinVar variation 2049189 (VCV002049189.6), dbSNP rs199654283, ClinGen allele CA9080841.
Genomic context (GRCh38, chr19:3,600,143, plus strand): 5'-GAAGCACCAGGACCCCGGGTATTGCACGGTGTAGCGACCCACGCCCAGCAGGGGCAGCAG[G>A]CCCAGCGCCAGCGCGGCCGCCCACACCAGCCCCACGGTGGCCCAGGCGCGGCGCTGCGAG-3'
Protein context (NP_001051.1, residues 154-174): GLVWAAALAL[Gly164=]LLPLLGVGRY

ClinVar aggregate classification (germline): Likely benign. Review status: criteria provided, multiple submitters, no conflicts (2 of 4 stars). 3 submissions from 3 submitters: Likely benign (3). Last evaluated 2026-03-10.

Conditions:
TBXA2R-related disorder. Also called: TBXA2R-related condition.

Allele frequency attached by ClinVar (database versions not stated): gnomAD exomes 0.00012; ExAC 0.00014; ESP Exome Variant Server 0.00040; gnomAD 0.00043; TOPMed 0.00049; 1000 Genomes Project 30x 0.00078; 1000 Genomes Project 0.00080.
gnomAD v4.1: 251 of 1,609,094 alleles (0.016%); highest among the groups gnomAD compares: African/African-American, 0.18%; 1 homozygote.

Submissions (3):

Women's Health and Genetics/Laboratory Corporation of America, LabCorp
Classification: Likely benign. Last evaluated: 2026-03-10. Review status: criteria provided, single submitter. Criteria: LabCorp Variant Classification Summary - May 2015. Collection method: clinical testing. Allele origin: germline.

PreventionGenetics, part of Exact Sciences
Classification: Likely benign for TBXA2R-related condition. Last evaluated: 2026-01-11. Review status: criteria provided, single submitter. Criteria: ACMG Guidelines, 2015. Collection method: clinical testing. Allele origin: germline.
Comment: This variant is classified as likely benign based on ACMG/AMP sequence variant interpretation guidelines (Richards et al. 2015 PMID: 25741868, with internal and published modifications).

Labcorp Genetics (formerly Invitae), Labcorp
Classification: Likely benign. Last evaluated: 2025-12-14. Review status: criteria provided, single submitter. Criteria: Invitae Variant Classification Sherloc (09022015). Collection method: clinical testing. Allele origin: germline.